The following is an entry in ClinVar:

ClinVar aggregate classification (germline): Uncertain significance (1 of 4 stars; one submission).

Submission:

GeneDx
Classification: Uncertain significance. Last evaluated: 2024-07-01. Review status: criteria provided, single submitter. Criteria: GeneDx Variant Classification Process June 2021. Collection method: clinical testing. Allele origin: germline. Affected: yes.
Comment: Not observed at significant frequency in large population cohorts (gnomAD); In silico analysis supports that this missense variant has a deleterious effect on protein structure/function; Has not been previously published as pathogenic or benign to our knowledge

NM_198253.3(TERT):c.1630T>A (p.Phe544Ile)

Gene: TERT (telomerase reverse transcriptase; minus strand). Cytogenetic location: 5p15.33.
Variant type: single nucleotide variant.
Coding change: c.1630T>A on transcript NM_198253.3 (MANE Select); coding-DNA position 1630, T replaced by A.
Protein change: p.Phe544Ile; replaces phenylalanine 544 with isoleucine.
Molecular consequence: missense variant. On other transcripts: non-coding transcript variant (2).
Genome position (GRCh38, 1-based): chr5:1,282,568, A>T on the plus strand (T>A on the coding strand, the complement: TERT is on the minus strand). VCF-style: chr5-1282568-A-T. GRCh37 (hg19) VCF-style: chr5-1282683-A-T.
Other names: c.1630T>A, p.Phe544Ile (NM_001193376.3); short protein forms F544I.
Identifiers: ClinVar variation 3393616 (VCV003393616.1).
Genomic context (GRCh38, chr5:1,282,568, plus strand): 5'-TGACATAAAAGAAAGACCTGAGCAGCTCGACGACGTACACACTCATCAGCCAGTGCAGGA[A>T]CTTGGCCAGGATCTCCTCACGCAGACGGTGCTCTGCGGCCGGAACACAGCCAACCCCTTA-3'
Protein context (NP_937983.2, residues 534-554): HRLREEILAK[Phe544Ile]LHWLMSVYVV